The following is an entry in ClinVar:

ClinVar aggregate classification (germline): Likely benign (1 of 4 stars; one submission).

Allele frequency attached by ClinVar (database versions not stated): TOPMed 0.00001.
gnomAD v4.1: 7 of 1,614,046 alleles (0.00043%); highest among the groups gnomAD compares: African/African-American, 0.0013%; no homozygotes.

Submission:

GeneDx
Classification: Likely benign. Last evaluated: 2018-02-20. Review status: criteria provided, single submitter. Criteria: GeneDx Variant Classification (06012015). Collection method: clinical testing. Allele origin: germline. Affected: yes.
Comment: This variant is considered likely benign or benign based on one or more of the following criteria: it is a conservative change, it occurs at a poorly conserved position in the protein, it is predicted to be benign by multiple in silico algorithms, and/or has population frequency not consistent with disease.

NM_016492.5(RANGRF):c.249G>A (p.Glu83=)

Genes: RANGRF (RAN guanine nucleotide release factor; plus strand), SLC25A35 (solute carrier family 25 member 35; minus strand). Cytogenetic location: 17p13.1.
Variant type: single nucleotide variant.
Coding change: c.249G>A on transcript NM_016492.5 (MANE Select); coding-DNA position 249, G replaced by A.
Protein change: p.Glu83=; no amino-acid change (glutamic acid 83 retained).
Molecular consequence: synonymous variant. On other transcripts: 3 prime UTR variant (2), non-coding transcript variant (2), intron variant (1).
Genome position (GRCh38, 1-based): chr17:8,289,312, G>A. VCF-style: chr17-8289312-G-A. GRCh37 (hg19) VCF-style: chr17-8192630-G-A.
Other names: c.249G>A, p.Glu83= (NM_001177801.2, NM_001177802.2, NM_001330127.2); c.*171C>T (NM_001320872.2); c.*304C>T (NM_201520.3); c.*42+262C>T (NM_001320871.2).
Identifiers: ClinVar variation 515655 (VCV000515655.3), dbSNP rs751751942, ClinGen allele CA497960984.